The following is an entry in ClinVar:

NM_015202.5(KATNIP):c.1628G>A (p.Trp543Ter)

Gene: KATNIP (katanin interacting protein; plus strand). Cytogenetic location: 16p12.1.
Variant type: single nucleotide variant.
Coding change: c.1628G>A on transcript NM_015202.5 (MANE Select); coding-DNA position 1628, G replaced by A.
Protein change: p.Trp543Ter; replaces tryptophan 543 with a stop codon.
Molecular consequence: nonsense.
Genome position (GRCh38, 1-based): chr16:27,721,580, G>A. VCF-style: chr16-27721580-G-A. GRCh37 (hg19) VCF-style: chr16-27732901-G-A.
Other names: short protein forms W543*.
Identifiers: ClinVar variation 3660624 (VCV003660624.2).

ClinVar aggregate classification (germline): Pathogenic (1 of 4 stars; one submission).

Submission:

Labcorp Genetics (formerly Invitae), Labcorp
Classification: Pathogenic. Last evaluated: 2024-08-01. Review status: criteria provided, single submitter. Criteria: Invitae Variant Classification Sherloc (09022015). Collection method: clinical testing. Allele origin: germline.
Comment: This sequence change creates a premature translational stop signal (p.Trp543*) in the KIAA0556 gene. It is expected to result in an absent or disrupted protein product. Loss-of-function variants in KIAA0556 are known to be pathogenic (PMID: 26714646, 27245168). This variant is not present in population databases (gnomAD no frequency). This variant has not been reported in the literature in individuals affected with KIAA0556-related conditions. For these reasons, this variant has been classified as Pathogenic.

Literature cited by the submitters: PubMed 26714646; PubMed 27245168.